The following is an entry in ClinVar:

NM_031471.6(FERMT3):c.268C>T (p.Arg90Cys)

Gene: FERMT3 (FERM domain containing kindlin 3; plus strand). Cytogenetic location: 11q13.1.
Variant type: single nucleotide variant.
Coding change: c.268C>T on transcript NM_031471.6 (MANE Select); coding-DNA position 268, C replaced by T.
Protein change: p.Arg90Cys; replaces arginine 90 with cysteine.
Molecular consequence: missense variant. On other transcripts: 5 prime UTR variant (2).
Genome position (GRCh38, 1-based): chr11:64,210,718, C>T. VCF-style: chr11-64210718-C-T. GRCh37 (hg19) VCF-style: chr11-63978190-C-T.
Other names: p.Arg90Cys; c.268C>T, p.Arg90Cys (NM_001382361.1, NM_001382362.1, NM_001382448.1 and 1 more transcripts); c.-273C>T (NM_001382363.1, NM_001382364.1); short protein forms R90C.
Identifiers: ClinVar variation 537721 (VCV000537721.13), dbSNP rs373315115, ClinGen allele CA6068695.

ClinVar aggregate classification (germline): Uncertain significance. Review status: criteria provided, multiple submitters, no conflicts (2 of 4 stars). 6 submissions from 6 submitters: Uncertain significance (6). Last evaluated 2026-03-01.

Conditions:
Leukocyte adhesion deficiency 3. Also called: Leukocyte adhesion deficiency, type III; INTEGRIN ACTIVATION DEFICIENCY DISEASE; LEUKOCYTE ADHESION DEFICIENCY 1 VARIANT. Identifiers: Orphanet 2968, Orphanet 99844, MedGen C2748536, MONDO:0013016, OMIM 612840.
Inborn genetic diseases. Identifiers: MedGen C0950123, MeSH D030342.

Allele frequency attached by ClinVar (database versions not stated): ESP Exome Variant Server 0.00008; gnomAD exomes 0.00012 and 0.00017; gnomAD 0.00016 and 0.00017; 1000 Genomes Project 0.00020; ExAC 0.00020; TOPMed 0.00024; 1000 Genomes Project 30x 0.00031.
gnomAD v4.1: 220 of 1,614,200 alleles (0.014%); highest among the groups gnomAD compares: Middle Eastern, 0.16%; no homozygotes.

Submissions (6):

GeneDx
Classification: Uncertain significance. Last evaluated: 2026-03-01. Review status: criteria provided, single submitter. Criteria: GeneDx Variant Classification Process June 2021. Collection method: clinical testing. Allele origin: germline.
Comment: In silico analysis supports that this missense variant has a deleterious effect on protein structure/function; Has not been previously published as pathogenic or benign to our knowledge

Ambry Genetics
Classification: Uncertain significance for Inborn genetic diseases. Last evaluated: 2025-12-15. Review status: criteria provided, single submitter. Criteria: Ambry Variant Classification Scheme 2023. Collection method: clinical testing. Allele origin: germline.

Mayo Clinic Laboratories, Mayo Clinic
Classification: Uncertain significance. Last evaluated: 2025-12-10. Review status: criteria provided, single submitter. Criteria: ACMG Guidelines, 2015. Collection method: clinical testing. Allele origin: germline. Observed: 1 variant allele.
Comment: BP4_moderate

Revvity Omics, Revvity
Classification: Uncertain significance for Leukocyte adhesion deficiency 3. Last evaluated: 2025-04-10. Review status: criteria provided, single submitter. Criteria: ACMG Guidelines, 2015. Collection method: clinical testing. Allele origin: germline.

Blueprint Genetics
Classification: Uncertain significance. Last evaluated: 2024-03-05. Review status: criteria provided, single submitter. Criteria: ACMG Guidelines, 2015. Collection method: clinical testing. Allele origin: germline.

Labcorp Genetics (formerly Invitae), Labcorp
Classification: Uncertain significance for Leukocyte adhesion deficiency 3. Last evaluated: 2022-10-24. Review status: criteria provided, single submitter. Criteria: Invitae Variant Classification Sherloc (09022015). Collection method: clinical testing. Allele origin: germline.
Comment: This sequence change replaces arginine, which is basic and polar, with cysteine, which is neutral and slightly polar, at codon 90 of the FERMT3 protein (p.Arg90Cys). This variant is present in population databases (rs373315115, gnomAD 0.04%). This variant has not been reported in the literature in individuals affected with FERMT3-related conditions. ClinVar contains an entry for this variant (Variation ID: 537721). Advanced modeling of protein sequence and biophysical properties (such as structural, functional, and spatial information, amino acid conservation, physicochemical variation, residue mobility, and thermodynamic stability) performed at Invitae indicates that this missense variant is not expected to disrupt FERMT3 protein function. In summary, the available evidence is currently insufficient to determine the role of this variant in disease. Therefore, it has been classified as a Variant of Uncertain Significance.